The following is an entry in ClinVar:

ClinVar aggregate classification (germline): Pathogenic (1 of 4 stars; one submission).

Conditions:
Alpha thalassemia-X-linked intellectual disability syndrome (ATRX). Also called: ALPHA-THALASSEMIA/MENTAL RETARDATION SYNDROME, X-LINKED; ATR, NONDELETION TYPE; ATR-X syndrome; Alpha thalassemia mental retardation syndrome, nondeletion type, X-linked; XLMR hypotonic face syndrome; X-linked alpha-thalassemia-mental retardation syndrome. Identifiers: Orphanet 847, MedGen C1845055, MONDO:0010519, OMIM 301040.

Submission:

Labcorp Genetics (formerly Invitae), Labcorp
Classification: Pathogenic for Alpha thalassemia-X-linked intellectual disability syndrome. Last evaluated: 2023-01-15. Review status: criteria provided, single submitter. Criteria: Invitae Variant Classification Sherloc (09022015). Collection method: clinical testing. Allele origin: germline.
Comment: For these reasons, this variant has been classified as Pathogenic. This variant has not been reported in the literature in individuals affected with ATRX-related conditions. This variant is not present in population databases (gnomAD no frequency). This sequence change creates a premature translational stop signal (p.Gln811Serfs*11) in the ATRX gene. It is expected to result in an absent or disrupted protein product. Loss-of-function variants in ATRX are known to be pathogenic (PMID: 15591283, 18409179, 23681356).

Literature cited by the submitters: PubMed 15591283; PubMed 18409179; PubMed 23681356.

NM_000489.6(ATRX):c.2431del (p.Gln811fs)

Gene: ATRX (ATRX chromatin remodeler; minus strand). Cytogenetic location: Xq21.1.
Variant type: Deletion.
Coding change: c.2431del on transcript NM_000489.6 (MANE Select); coding-DNA position 2431, one base deleted (C; older notation c.2431delC).
Protein change: p.Gln811fs; shifts the reading frame from glutamine 811.
Molecular consequence: frameshift variant.
Genome position (GRCh38, 1-based): chrX:77,682,825, G deleted on the plus strand (C on the coding strand, the reverse complement: ATRX is on the minus strand); the first of 3 consecutive G bases (chrX:77,682,825-77,682,827); deleting any one gives the same sequence. VCF-style (leftmost placement, unchanged base first): chrX-77682824-TG-T. GRCh37 (hg19) VCF-style: chrX-76938316-TG-T.
Other names: c.2317del, p.Gln773fs (NM_138270.5); short protein forms Q773fs, Q811fs.
Identifiers: ClinVar variation 2810534 (VCV002810534.3), dbSNP rs2519941830, ClinGen allele CA2739273586.